The following is an entry in ClinVar:

NM_001122659.3(EDNRB):c.*1632C>A

Genes: EDNRB (endothelin receptor type B; minus strand), EDNRB-AS1 (EDNRB antisense RNA 1; plus strand). Cytogenetic location: 13q22.3.
Variant type: single nucleotide variant.
Coding change: c.*1632C>A on transcript NM_001122659.3 (MANE Select); 1632 bases downstream of the stop codon, C replaced by A.
Molecular consequence: 3 prime UTR variant. On other transcripts: intron variant (1).
Genome position (GRCh38, 1-based): chr13:77,896,568, G>T on the plus strand (C>A on the coding strand, the complement: EDNRB is on the minus strand). VCF-style: chr13-77896568-G-T. GRCh37 (hg19) VCF-style: chr13-78470703-G-T.
Other names: c.*1632C>A (NM_000115.5, NM_001201397.2); c.1195-10C>A (NM_003991.4).
Identifiers: ClinVar variation 228659 (VCV000228659.4), dbSNP rs876657804, ClinGen allele CA10576941.

ClinVar aggregate classification (germline): Uncertain significance (1 of 4 stars; one submission).

Allele frequency attached by ClinVar (database versions not stated): gnomAD exomes 0.00001.
gnomAD v4.1: 1 of 1,549,328 alleles (0.000065%); highest among the groups gnomAD compares: Admixed American, 0.002%; no homozygotes.

Submission:

Laboratory for Molecular Medicine, Mass General Brigham Personalized Medicine
Classification: Uncertain significance. Last evaluated: 2015-05-21. Review status: criteria provided, single submitter. Criteria: LMM Criteria. Collection method: clinical testing. Allele origin: germline. Observed: 1 variant allele.
Comment: The c.1195-10C>A variant in EDNRB has not been previously reported in individual s with hearing loss. Data from large population studies are insufficient to asse ss the frequency of this variant. This variant is located in the 3' splice regio n. Computational tools do not suggest an impact to splicing. However, this infor mation is not predictive enough to rule out pathogenicity. In summary, the clini cal significance of the c.1195-10C>A variant is uncertain.